The following is an entry in ClinVar:

ClinVar aggregate classification (germline): Uncertain significance. Review status: criteria provided, multiple submitters, no conflicts (2 of 4 stars). 2 submissions from 2 submitters: Uncertain significance (2). Last evaluated 2026-03-03.

Conditions:
Aortic valve disease 2 (AOVD2). Identifiers: MedGen C3542024, MONDO:0013902, OMIM 614823.

Submissions (2):

GeneDx
Classification: Uncertain significance. Last evaluated: 2026-03-03. Review status: criteria provided, single submitter. Criteria: GeneDx Variant Classification Process June 2021. Collection method: clinical testing. Allele origin: germline.
Comment: Identified in an individual with global developmental delay who also harbored a de novo variant in the RSF1 gene and an Xq22.1q22.2 microduplication (PMID: 41606215); Not observed at significant frequency in large population cohorts (gnomAD); In silico analysis supports that this missense variant has a deleterious effect on protein structure/function; This variant is associated with the following publications: (PMID: 41606215)

Labcorp Genetics (formerly Invitae), Labcorp
Classification: Uncertain significance for Aortic valve disease 2. Last evaluated: 2023-02-28. Review status: criteria provided, single submitter. Criteria: Invitae Variant Classification Sherloc (09022015). Collection method: clinical testing. Allele origin: germline.
Comment: In summary, the available evidence is currently insufficient to determine the role of this variant in disease. Therefore, it has been classified as a Variant of Uncertain Significance. Variants that disrupt the consensus splice site are a relatively common cause of aberrant splicing (PMID: 17576681, 9536098). An algorithm developed to predict the effect of missense changes on protein structure and function (PolyPhen-2) suggests that this variant is likely to be tolerated. ClinVar contains an entry for this variant (Variation ID: 1957285). This variant has not been reported in the literature in individuals affected with SMAD6-related conditions. This variant is not present in population databases (gnomAD no frequency). This sequence change replaces aspartic acid, which is acidic and polar, with asparagine, which is neutral and polar, at codon 292 of the SMAD6 protein (p.Asp292Asn). This variant also falls at the last nucleotide of exon 2, which is part of the consensus splice site for this exon.

Literature cited by the submitters: PubMed 17576681 (cited by Labcorp Genetics (formerly Invitae), Labcorp); PubMed 9536098 (cited by Labcorp Genetics (formerly Invitae), Labcorp).

NM_005585.5(SMAD6):c.874G>A (p.Asp292Asn)

Gene: SMAD6 (SMAD family member 6; plus strand). Cytogenetic location: 15q22.31.
Variant type: single nucleotide variant.
Coding change: c.874G>A on transcript NM_005585.5 (MANE Select); coding-DNA position 874, G replaced by A.
Protein change: p.Asp292Asn; replaces aspartic acid 292 with asparagine.
Molecular consequence: missense variant. On other transcripts: non-coding transcript variant (1).
Genome position (GRCh38, 1-based): chr15:66,711,724, G>A. VCF-style: chr15-66711724-G-A. GRCh37 (hg19) VCF-style: chr15-67004062-G-A.
Other names: c.874G>A (NM_005585.4); short protein forms D292N.
Identifiers: ClinVar variation 1957285 (VCV001957285.7), dbSNP rs2545322877, ClinGen allele CA392951126.